The following is an entry in ClinVar:

NM_001365536.1(SCN9A):c.1660C>A (p.Leu554Ile)

Genes: SCN1A-AS1 (SCN1A and SCN9A antisense RNA 1; plus strand), SCN9A (sodium voltage-gated channel alpha subunit 9; minus strand). Cytogenetic location: 2q24.3.
Variant type: single nucleotide variant.
Coding change: c.1660C>A on transcript NM_001365536.1 (MANE Select); coding-DNA position 1660, C replaced by A.
Protein change: p.Leu554Ile; replaces leucine 554 with isoleucine.
Molecular consequence: missense variant.
Genome position (GRCh38, 1-based): chr2:166,284,767, G>T on the plus strand (C>A on the coding strand, the complement: SCN9A is on the minus strand). VCF-style: chr2-166284767-G-T. GRCh37 (hg19) VCF-style: chr2-167141277-G-T.
Other names: c.1660C>A, p.Leu554Ile (NM_002977.4); short protein forms L554I.
Identifiers: ClinVar variation 234893 (VCV000234893.55), dbSNP rs201994523, ClinGen allele CA1944454.
Genomic context (GRCh38, chr2:166,284,767, plus strand): 5'-CATCATCGGCAAATTCAGTCTCAGATCCTATATCTCTTCCTCTGCCTTTGAAACTAAAAA[G>T]ACTTGTTCTGCTGCTTCGCCTTGCAGAAAACAAGGAGCCACGAATGCTGAGTGGTGACTG-3'
Protein context (NP_001352465.1, residues 544-564): FSARRSSRTS[Leu554Ile]FSFKGRGRDI

ClinVar aggregate classification (germline): Conflicting classifications of pathogenicity. Review status: criteria provided, conflicting classifications (1 of 4 stars). 4 submissions from 4 submitters: Uncertain significance (3); Likely benign (1). Last evaluated 2026-01-05.

Conditions:
Inborn genetic diseases. Identifiers: MedGen C0950123, MeSH D030342.
Generalized epilepsy with febrile seizures plus, type 7 (GEFSP7). Also called: GEFS+, TYPE 7. Identifiers: Orphanet 36387, MedGen C2751778, MONDO:0013470, OMIM 613863.
Neuropathy, hereditary sensory and autonomic, type 2A (HSAN2A). Also called: MORVAN DISEASE; WNK1-Related HSAN2 (HSAN2A); NEUROPATHY, CONGENITAL SENSORY; NEUROPATHY, HEREDITARY SENSORY RADICULAR, AUTOSOMAL RECESSIVE; NEUROPATHY, HEREDITARY SENSORY, TYPE IIA; NEUROPATHY, PROGRESSIVE SENSORY, OF CHILDREN. Identifiers: Orphanet 970, MedGen C2752089, MONDO:0024309, OMIM 201300.

Allele frequency attached by ClinVar (database versions not stated): gnomAD 0.00003; ExAC 0.00004; gnomAD exomes 0.00004; TOPMed 0.00005; ESP Exome Variant Server 0.00017.
gnomAD v4.1: 138 of 1,613,494 alleles (0.0086%); highest among the groups gnomAD compares: Non-Finnish European, 0.011%; no homozygotes.

Submissions (4):

Labcorp Genetics (formerly Invitae), Labcorp
Classification: Likely benign for Neuropathy, hereditary sensory and autonomic, type 2A; Generalized epilepsy with febrile seizures plus, type 7. Last evaluated: 2026-01-05. Review status: criteria provided, single submitter. Criteria: Invitae Variant Classification Sherloc (09022015). Collection method: clinical testing. Allele origin: germline.

Ambry Genetics
Classification: Uncertain significance for Inborn genetic diseases. Last evaluated: 2025-08-04. Review status: criteria provided, single submitter. Criteria: Ambry Variant Classification Scheme 2023. Collection method: clinical testing. Allele origin: germline.
Comment: The alteration results in an amino acid change: The c.1660C>A (p.L554I) alteration is located in exon 12 (coding exon 11) of the SCN9A gene. This alteration results from a C to A substitution at nucleotide position 1660, causing the leucine (L) at amino acid position 554 to be replaced by an isoleucine (I). The alteration is rare in population databases: Based on data from the Genome Aggregation Databases (gnomAD), the SCN9A c.1660C>A alteration was observed in 0.004% (10/279,904) total alleles studied, with a frequency of 0.012% (3/24,190) in the African subpopulation. The altered amino acid is conserved throughout evolution: The p.L554 amino acid is mostly conserved in available vertebrate species; however, isoleucine is in the reference amino acid in several species. The alteration is predicted tolerated by in silico modeling: The p.L554I alteration is predicted to be tolerated by in silico analysis. Based on insufficient or conflicting evidence, the clinical significance of this alteration remains unclear.

ARUP Laboratories, Molecular Genetics and Genomics, ARUP Laboratories
Classification: Uncertain significance. Last evaluated: 2021-04-17. Review status: criteria provided, single submitter. Criteria: ARUP Molecular Germline Variant Investigation Process 2021. Collection method: clinical testing. Allele origin: germline.
Comment: The SCN9A c.1660C>A; p.Leu554Ile variant (rs201994523), to our knowledge, is not reported in the medical literature but is reported in ClinVar (Variation ID: 234893). This variant is found in the general population with an allele frequency of 0.0036% (10/279,904 alleles) in the Genome Aggregation Database. The leucine at codon 554 is highly conserved, but computational analyses are uncertain whether this variant is neutral or deleterious (REVEL: 0.326). Due to limited information, the clinical significance of the p.Leu554Ile variant is uncertain at this time.

GeneDx
Classification: Uncertain significance. Last evaluated: 2016-03-21. Review status: criteria provided, single submitter. Criteria: GeneDx Variant Classification (06012015). Collection method: clinical testing. Allele origin: germline. Affected: yes.
Comment: The L554I variant has not been published as a pathogenic variant, nor has it been reported as a benign variant to our knowledge. The L554I variant was not observed with any significant frequency in approximately 6,000 individuals of European and African American ancestry in the NHLBI Exome Sequencing Project. The L554I variant is a conservative amino acid substitution, which is not likely to impact secondary protein structure as these residues share similar properties. This substitution occurs at a position where amino acids with similar properties to Leucine are tolerated across species. In silico analysis is inconsistent in its predictions as to whether or not the variant is damaging to the protein structure/function. Based on the currently available information, it is unclear whether this variant is a pathogenic variant or a rare benign variant.